The following is an entry in ClinVar:

ClinVar aggregate classification (germline): Pathogenic (1 of 4 stars; one submission).

Conditions:
Neurofibromatosis, type 1 (NF1). Also called: VON RECKLINGHAUSEN DISEASE; Neurofibromatosis, type I; NEUROFIBROMATOSIS, TYPE I, SOMATIC; Peripheral type neurofibromatosis. Identifiers: Orphanet 636, MedGen C0027831, MONDO:0018975, OMIM 162200. Disease mechanism: loss of function.

Submission:

Labcorp Genetics (formerly Invitae), Labcorp
Classification: Pathogenic for Neurofibromatosis, type 1. Last evaluated: 2025-10-08. Review status: criteria provided, single submitter. Criteria: Invitae Variant Classification Sherloc (09022015). Collection method: clinical testing. Allele origin: germline.
Comment: This sequence change creates a premature translational stop signal (p.Ile1620Metfs*2) in the NF1 gene. It is expected to result in an absent or disrupted protein product. Loss-of-function variants in NF1 are known to be pathogenic (PMID: 10712197, 23913538). This variant is not present in population databases (gnomAD no frequency). This variant has not been reported in the literature in individuals affected with NF1-related conditions. For these reasons, this variant has been classified as Pathogenic.

Literature cited by the submitters: PubMed 10712197; PubMed 23913538.

NM_001042492.3(NF1):c.4923del (p.Ile1641fs)

Gene: NF1 (neurofibromin 1; plus strand). Cytogenetic location: 17q11.2.
Variant type: Deletion.
Coding change: c.4923del on transcript NM_001042492.3 (MANE Select); coding-DNA position 4923, one base deleted (T; older notation c.4923delT).
Protein change: p.Ile1641fs; shifts the reading frame from isoleucine 1641.
Molecular consequence: frameshift variant.
Genome position (GRCh38, 1-based): chr17:31,325,907, T deleted; the last of 2 consecutive T bases (chr17:31,325,906-31,325,907); deleting either gives the same sequence. VCF-style (leftmost placement, unchanged base first): chr17-31325905-AT-A. GRCh37 (hg19) VCF-style: chr17-29652923-AT-A.
Other names: c.4860del, p.Ile1620fs (NM_000267.4); short protein forms I1620fs, I1641fs.
Identifiers: ClinVar variation 4797917 (VCV004797917.1).
Genomic context (GRCh38, chr17:31,325,905, plus strand): 5'-GATTTGCTGATATACCATGTCTTACTGACTTTAAAGCCATATTATGCAAAGCCATATGAA[AT>A]TGTAGTGGACCTTACCCATACCGGGCCTAGCAATCGCTTTAAAACAGACTTTCTCTCTAA-3'